The following is an entry in ClinVar:

ClinVar aggregate classification (germline): Uncertain significance (1 of 4 stars; one submission).

Conditions:
Familial adenomatous polyposis 1 (FAP1). Also called: FAMILIAL ADENOMATOUS POLYPOSIS 1, ATTENUATED; POLYPOSIS, ADENOMATOUS INTESTINAL. Identifiers: MedGen C2713442, MONDO:0021056, OMIM 175100. Disease mechanism: loss of function.

Allele frequency attached by ClinVar (database versions not stated): TOPMed 0.00001.

Submission:

Labcorp Genetics (formerly Invitae), Labcorp
Classification: Uncertain significance for Familial adenomatous polyposis 1. Last evaluated: 2021-12-20. Review status: criteria provided, single submitter. Criteria: Invitae Variant Classification Sherloc (09022015). Collection method: clinical testing. Allele origin: germline.
Comment: This variant has not been reported in the literature in individuals affected with APC-related conditions. This variant is not present in population databases (gnomAD no frequency). This variant occurs in a non-coding region of the APC gene. It does not change the encoded amino acid sequence of the APC protein. Experimental studies and prediction algorithms are not available or were not evaluated, and the functional significance of this variant is currently unknown. In summary, the available evidence is currently insufficient to determine the role of this variant in disease. Therefore, it has been classified as a Variant of Uncertain Significance.

NM_001127511.3(APC):c.-138C>A

Gene: APC (APC regulator of Wnt signaling pathway; plus strand). Cytogenetic location: 5q22.2.
Variant type: single nucleotide variant.
Coding change: c.-138C>A on transcript NM_001127511.3; 138 bases upstream of the start codon, C replaced by A.
Molecular consequence: 5 prime UTR variant. On other transcripts: non-coding transcript variant (2).
Genome position (GRCh38, 1-based): chr5:112,707,580, C>A. VCF-style: chr5-112707580-C-A. GRCh37 (hg19) VCF-style: chr5-112043277-C-A.
Other names: c.-321C>A (NM_001354895.2, NM_001407447.1, NM_001407452.1 and 3 more transcripts); c.-138C>A (NM_001354897.2, NM_001354902.2, NM_001407446.1); c.-88C>A (NM_001407448.1, NM_001407450.1, NM_001407457.1 and 1 more transcripts); c.-112C>A (NM_001407453.1); c.-1356C>A (NM_001407470.1, NM_001407472.1).
Identifiers: ClinVar variation 1006931 (VCV001006931.7), dbSNP rs1259973377, ClinGen allele CA802057096.